The following is an entry in ClinVar:

ClinVar aggregate classification (germline): Pathogenic (1 of 4 stars; one submission).

Conditions:
Hermansky-Pudlak syndrome 3 (HPS3). Identifiers: Orphanet 231512, Orphanet 79430, MedGen C3888001, MONDO:0013555, OMIM 614072.

Submission:

Myriad Genetics, Inc.
Classification: Pathogenic for Hermansky-Pudlak syndrome 3. Last evaluated: 2024-05-14. Review status: criteria provided, single submitter. Criteria: Myriad Autosomal Dominant, Autosomal Recessive and X-Linked Classification Criteria (2023). Collection method: clinical testing. Allele origin: unknown.
Comment: NM_032383.3(HPS3):c.2398_2399ins11(F800Yfs*32) is expected to be pathogenic in the context of Hermansky-Pudlak syndrome, HPS3-related. This variant is predicted to lead to an abnormal or absent protein product due to the creation of a premature termination codon in HPS3, a gene where loss-of-function variants are known to be pathogenic. Please note: this variant was assessed in the context of healthy population screening.

NM_032383.5(HPS3):c.2398_2399insACTGTCTCTTA (p.Phe800fs)

Genes: CP (ceruloplasmin; minus strand), HPS3 (HPS3 biogenesis of lysosomal organelles complex 2 subunit 1; plus strand). Cytogenetic location: 3q24.
Variant type: Insertion.
Coding change: c.2398_2399insACTGTCTCTTA on transcript NM_032383.5 (MANE Select); coding-DNA positions 2398 to 2399, ACTGTCTCTTA inserted.
Protein change: p.Phe800fs; shifts the reading frame from phenylalanine 800.
Molecular consequence: frameshift variant. On other transcripts: non-coding transcript variant (1).
Genome position: GRCh38 VCF-style: chr3-149162795-T-TACTGTCTCTTA. GRCh37 (hg19) VCF-style: chr3-148880582-T-TACTGTCTCTTA.
Other names: c.1903_1904insACTGTCTCTTA, p.Phe635fs (NM_001308258.2); short protein forms F635fs, F800fs.
Identifiers: ClinVar variation 5011227 (VCV005011227.1).